The following is an entry in ClinVar:

ClinVar aggregate classification (germline): Uncertain significance (1 of 4 stars; one submission).

Conditions:
Inborn genetic diseases. Identifiers: MedGen C0950123, MeSH D030342.

Allele frequency attached by ClinVar (database versions not stated): ExAC 0.00002; TOPMed 0.00003; gnomAD 0.00005.
gnomAD v4.1: 31 of 1,207,877 alleles (0.0026%); highest among the groups gnomAD compares: Non-Finnish European, 0.0034%; no homozygotes.

Submission:

Ambry Genetics
Classification: Uncertain significance for Inborn genetic diseases. Last evaluated: 2017-09-07. Review status: criteria provided, single submitter. Criteria: Ambry Variant Classification Scheme 2023. Collection method: clinical testing. Allele origin: germline.
Comment: The p.D611G variant (also known as c.1832A>G), located in coding exon 3 of the PTCHD1 gene, results from an A to G substitution at nucleotide position 1832. The aspartic acid at codon 611 is replaced by glycine, an amino acid with similar properties. This amino acid position is not well conserved in available vertebrate species. In addition, this alteration is predicted to be tolerated by in silico analysis. Since supporting evidence is limited at this time, the clinical significance of this alteration remains unclear.

NM_173495.3(PTCHD1):c.1832A>G (p.Asp611Gly)

Gene: PTCHD1 (patched domain containing 1; plus strand). Cytogenetic location: Xp22.11.
Variant type: single nucleotide variant.
Coding change: c.1832A>G on transcript NM_173495.3 (MANE Select); coding-DNA position 1832, A replaced by G.
Protein change: p.Asp611Gly; replaces aspartic acid 611 with glycine.
Molecular consequence: missense variant.
Genome position (GRCh38, 1-based): chrX:23,393,350, A>G. VCF-style: chrX-23393350-A-G. GRCh37 (hg19) VCF-style: chrX-23411467-A-G.
Other names: short protein forms D611G.
Identifiers: ClinVar variation 1780977 (VCV001780977.2), dbSNP rs761642166, ClinGen allele CA10369195.